The following is an entry in ClinVar:

ClinVar aggregate classification (germline): Uncertain significance (1 of 4 stars; one submission).

Allele frequency attached by ClinVar (database versions not stated): TOPMed below 0.00001; gnomAD 0.00001; gnomAD exomes 0.00001.
gnomAD v4.1: 13 of 1,613,586 alleles (0.00081%); highest among the groups gnomAD compares: Non-Finnish European, 0.0011%; no homozygotes.

Submission:

Labcorp Genetics (formerly Invitae), Labcorp
Classification: Uncertain significance. Last evaluated: 2023-10-07. Review status: criteria provided, single submitter. Criteria: Invitae Variant Classification Sherloc (09022015). Collection method: clinical testing. Allele origin: germline.
Comment: This sequence change replaces lysine, which is basic and polar, with glutamine, which is neutral and polar, at codon 1636 of the COL11A1 protein (p.Lys1636Gln). This variant is not present in population databases (gnomAD no frequency). This variant has not been reported in the literature in individuals affected with COL11A1-related conditions. Advanced modeling of protein sequence and biophysical properties (such as structural, functional, and spatial information, amino acid conservation, physicochemical variation, residue mobility, and thermodynamic stability) performed at Invitae indicates that this missense variant is not expected to disrupt COL11A1 protein function. In summary, the available evidence is currently insufficient to determine the role of this variant in disease. Therefore, it has been classified as a Variant of Uncertain Significance.

NM_001854.4(COL11A1):c.4906A>C (p.Lys1636Gln)

Gene: COL11A1 (collagen type XI alpha 1 chain; minus strand). Cytogenetic location: 1p21.1.
Variant type: single nucleotide variant.
Coding change: c.4906A>C on transcript NM_001854.4 (MANE Select); coding-DNA position 4906, A replaced by C.
Protein change: p.Lys1636Gln; replaces lysine 1636 with glutamine.
Molecular consequence: missense variant. On other transcripts: non-coding transcript variant (1).
Genome position (GRCh38, 1-based): chr1:102,883,264, T>G on the plus strand (A>C on the coding strand, the complement: COL11A1 is on the minus strand). VCF-style: chr1-102883264-T-G. GRCh37 (hg19) VCF-style: chr1-103348820-T-G.
Other names: c.4558A>C, p.Lys1520Gln (NM_001168249.1, NM_080630.4); c.4789A>C, p.Lys1597Gln (NM_001190709.2); c.4942A>C, p.Lys1648Gln (NM_080629.3); short protein forms K1636Q, K1648Q, K1520Q, K1597Q.
Identifiers: ClinVar variation 2877806 (VCV002877806.3), dbSNP rs886044973, ClinGen allele CA341211578.